The following is an entry in ClinVar:

ClinVar aggregate classification (germline): Uncertain significance. Review status: criteria provided, multiple submitters, no conflicts (2 of 4 stars). 5 submissions from 5 submitters: Uncertain significance (5). Last evaluated 2025-05-18.

Conditions:
RECQL-related disorder. Also called: RECQL-related condition.

Allele frequency attached by ClinVar (database versions not stated): TOPMed 0.00009; gnomAD 0.00011 and 0.00014; ExAC 0.00001; gnomAD exomes 0.00001 and 0.00002; ESP Exome Variant Server 0.00008.
gnomAD v4.1: 25 of 1,579,596 alleles (0.0016%); highest among the groups gnomAD compares: African/African-American, 0.034%; no homozygotes.

Submissions (5):

Ambry Genetics
Classification: Uncertain significance. Last evaluated: 2025-05-18. Review status: criteria provided, single submitter. Criteria: Ambry Variant Classification Scheme 2023. Collection method: clinical testing. Allele origin: germline.
Comment: The p.Y559N variant (also known as c.1675T>A), located in coding exon 13 of the RECQL gene, results from a T to A substitution at nucleotide position 1675. The tyrosine at codon 559 is replaced by asparagine, an amino acid with dissimilar properties. This amino acid position is not well conserved in available vertebrate species. In addition, this alteration is predicted to be tolerated by in silico analysis. Since supporting evidence is limited at this time, the clinical significance of this alteration remains unclear.

Labcorp Genetics (formerly Invitae), Labcorp
Classification: Uncertain significance. Last evaluated: 2025-01-05. Review status: criteria provided, single submitter. Criteria: Invitae Variant Classification Sherloc (09022015). Collection method: clinical testing. Allele origin: germline.
Comment: This sequence change replaces tyrosine, which is neutral and polar, with asparagine, which is neutral and polar, at codon 559 of the RECQL protein (p.Tyr559Asn). This variant is present in population databases (rs150680552, gnomAD 0.04%). This variant has not been reported in the literature in individuals affected with RECQL-related conditions. ClinVar contains an entry for this variant (Variation ID: 954936). An algorithm developed to predict the effect of missense changes on protein structure and function (PolyPhen-2) suggests that this variant is likely to be disruptive. In summary, the available evidence is currently insufficient to determine the role of this variant in disease. Therefore, it has been classified as a Variant of Uncertain Significance.

Quest Diagnostics Nichols Institute San Juan Capistrano
Classification: Uncertain significance. Last evaluated: 2024-11-17. Review status: criteria provided, single submitter. Criteria: Quest Diagnostics criteria. Collection method: clinical testing. Allele origin: unknown.
Comment: The RECQL c.1675T>A (p.Tyr559Asn) variant has not been reported in individuals with RECQL-related conditions in the published literature. The frequency of this variant in the general population, 0.00043 (10/23306 chromosomes in African/African American subpopulation (Genome Aggregation Database)), is higher than would generally be expected for pathogenic variants in this gene. Analysis of this variant using bioinformatics tools for the prediction of the effect of amino acid changes on protein structure and function yielded predictions that this variant is damaging. Based on the available information, we are unable to determine the clinical significance of this variant.

GeneDx
Classification: Uncertain significance. Last evaluated: 2023-07-28. Review status: criteria provided, single submitter. Criteria: GeneDx Variant Classification Process June 2021. Collection method: clinical testing. Allele origin: germline.
Comment: In silico analysis supports that this missense variant has a deleterious effect on protein structure/function; Has not been previously published as pathogenic or benign to our knowledge; Variants in candidate genes are classified as variants of uncertain significance in accordance with ACMG guidelines (Richards et al., 2015); This variant is associated with the following publications: (PMID: 19151156, 27248010)

PreventionGenetics, part of Exact Sciences
Classification: Uncertain significance for RECQL-related condition. Last evaluated: 2022-09-26. Review status: criteria provided, single submitter. Criteria: ACMG Guidelines, 2015. Collection method: clinical testing. Allele origin: germline.
Comment: The RECQL c.1675T>A variant is predicted to result in the amino acid substitution p.Tyr559Asn. To our knowledge, this variant has not been reported in the literature. This variant is reported in 0.043% of alleles in individuals of African descent in gnomAD and is reported as uncertain in ClinVar. At this time, the clinical significance of this variant is uncertain due to the absence of conclusive functional and genetic evidence.

NM_002907.4(RECQL):c.1675T>A (p.Tyr559Asn)

Genes: PYROXD1 (pyridine nucleotide-disulphide oxidoreductase domain 1; plus strand), RECQL (RecQ like helicase; minus strand). Cytogenetic location: 12p12.1.
Variant type: single nucleotide variant.
Coding change: c.1675T>A on transcript NM_002907.4 (MANE Select); coding-DNA position 1675, T replaced by A.
Protein change: p.Tyr559Asn; replaces tyrosine 559 with asparagine.
Molecular consequence: missense variant. On other transcripts: 3 prime UTR variant (3).
Genome position (GRCh38, 1-based): chr12:21,471,091, A>T on the plus strand (T>A on the coding strand, the complement: RECQL is on the minus strand). VCF-style: chr12-21471091-A-T. GRCh37 (hg19) VCF-style: chr12-21624025-A-T.
Other names: c.1675T>A, p.Tyr559Asn (NM_032941.3); c.*2337A>T (NM_001350912.2, NM_001350913.2, NM_024854.5); short protein forms Y559N.
Identifiers: ClinVar variation 954936 (VCV000954936.15), dbSNP rs150680552, ClinGen allele CA6478675.